The following is an entry in ClinVar:

ClinVar aggregate classification (germline): Uncertain significance (1 of 4 stars; one submission).

Allele frequency attached by ClinVar (database versions not stated): gnomAD exomes below 0.00001.
gnomAD v4.1: 1 of 1,614,190 alleles (0.000062%); highest among the groups gnomAD compares: South Asian, 0.0011%; no homozygotes.

Submission:

Labcorp Genetics (formerly Invitae), Labcorp
Classification: Uncertain significance. Last evaluated: 2023-12-10. Review status: criteria provided, single submitter. Criteria: Invitae Variant Classification Sherloc (09022015). Collection method: clinical testing. Allele origin: germline.
Comment: This sequence change replaces threonine, which is neutral and polar, with proline, which is neutral and non-polar, at codon 766 of the EMC1 protein (p.Thr766Pro). This variant is not present in population databases (gnomAD no frequency). This variant has not been reported in the literature in individuals affected with EMC1-related conditions. Advanced modeling of protein sequence and biophysical properties (such as structural, functional, and spatial information, amino acid conservation, physicochemical variation, residue mobility, and thermodynamic stability) performed at Invitae indicates that this missense variant is expected to disrupt EMC1 protein function with a positive predictive value of 80%. In summary, the available evidence is currently insufficient to determine the role of this variant in disease. Therefore, it has been classified as a Variant of Uncertain Significance.

NM_015047.3(EMC1):c.2296A>C (p.Thr766Pro)

Genes: EMC1 (ER membrane protein complex subunit 1; minus strand), EMC1-AS1 (EMC1 antisense RNA 1; plus strand). Cytogenetic location: 1p36.13.
Variant type: single nucleotide variant.
Coding change: c.2296A>C on transcript NM_015047.3 (MANE Select); coding-DNA position 2296, A replaced by C.
Protein change: p.Thr766Pro; replaces threonine 766 with proline.
Molecular consequence: missense variant.
Genome position (GRCh38, 1-based): chr1:19,223,476, T>G on the plus strand (A>C on the coding strand, the complement: EMC1 is on the minus strand). VCF-style: chr1-19223476-T-G. GRCh37 (hg19) VCF-style: chr1-19549970-T-G.
Other names: c.2293A>C, p.Thr765Pro (NM_001271427.2, NM_001271428.2); c.2230A>C, p.Thr744Pro (NM_001271429.2); c.2305A>C, p.Thr769Pro (NM_001375820.1); c.2302A>C, p.Thr768Pro (NM_001375821.1); short protein forms T744P, T766P, T769P, T765P, T768P.
Identifiers: ClinVar variation 2813892 (VCV002813892.3), dbSNP rs2536671839, ClinGen allele CA338754965.
Genomic context (GRCh38, chr1:19,223,476, plus strand): 5'-GCACGATATGGACAGGGCCTTTGGCTTTCTTCTGCACAGAGGAGTGAATGATACGCCCAG[T>G]GACGCCATCAATGAGGAAGATGCCAATAAAGGTGCGCTCATGGTGCGCGTCTGTGCTCTC-3'
Protein context (NP_055862.1, residues 756-776): FIGIFLIDGV[Thr766Pro]GRIIHSSVQK